The following is an entry in ClinVar:

ClinVar aggregate classification (germline): Pathogenic (1 of 4 stars; one submission).

Conditions:
Hereditary cancer-predisposing syndrome. Also called: Tumor predisposition; Hereditary Cancer Syndrome; Hereditary neoplastic syndrome; Neoplastic Syndromes, Hereditary. Identifiers: Orphanet 140162, MedGen C0027672, MeSH D009386, MONDO:0015356.

Submission:

Ambry Genetics
Classification: Pathogenic for Hereditary cancer-predisposing syndrome. Last evaluated: 2026-01-26. Review status: criteria provided, single submitter. Criteria: Ambry Variant Classification Scheme 2023. Collection method: clinical testing. Allele origin: germline.
Comment: The c.585-15_586del17 pathogenic mutation results from a deletion of 17 nucleotides between positions c.585-15 and c.586 and involves the canonical splice acceptor site before coding exon 4 of the PTCH1 gene. This variant was reported in individual(s) with features consistent with PTCH1-related nevoid basal cell carcinoma syndrome (Ambry internal data). This variant is considered to be rare based on population cohorts in the Genome Aggregation Database (gnomAD). The canonical splice acceptor site is well conserved in available vertebrate species. In silico splice site analysis predicts that this alteration will weaken the native splice acceptor site and will result in the creation or strengthening of a novel splice acceptor site. Alterations that disrupt the canonical splice site are expected to cause aberrant splicing, resulting in an abnormal protein or a transcript that is subject to nonsense-mediated mRNA decay. As such, this alteration is interpreted as a disease-causing mutation.

Literature cited by the submitters: PubMed 23761049; PubMed 26290144; PubMed 27680694; PubMed 29255261; PubMed 29792231; PubMed 29849051; PubMed 31113992.

NM_000264.5(PTCH1):c.585-15_586del

Gene: PTCH1 (patched 1; minus strand). Cytogenetic location: 9q22.32.
Variant type: Deletion.
Coding change: c.585-15_586del on transcript NM_000264.5 (MANE Select); 15 bases into the intron before coding-DNA position 585 through coding-DNA position 586, 17 bases deleted (TTTTCATTTTATTAGGC).
Molecular consequence: splice acceptor variant.
Genome position (GRCh38, 1-based): chr9:95,482,202-95,482,218, GCCTAATAAAATGAAAA deleted on the plus strand (TTTTCATTTTATTAGGC on the coding strand, the reverse complement: PTCH1 is on the minus strand); deleting any 17 consecutive bases within chr9:95,482,202-95,482,220 gives the same sequence; the c. name uses the placement nearest the transcript's 3' end. VCF-style (leftmost placement, unchanged base first): chr9-95482201-TGCCTAATAAAATGAAAA-T. GRCh37 (hg19) VCF-style: chr9-98244483-TGCCTAATAAAATGAAAA-T.
Other names: c.582-15_583del (NM_001083603.3); c.387-15_388del (NM_001083602.3, NM_001354919.2); c.585-15_586del (NM_001354918.2); c.132-15_133del (NM_001083605.3, NM_001083604.3, NM_001083606.3 and 1 more transcripts).
Identifiers: ClinVar variation 1750077 (VCV001750077.3), dbSNP rs2538248061, ClinGen allele CA2580081039.
Genomic context (GRCh38, chr9:95,482,201, plus strand): 5'-ATGTAACCTGTTTCTGTGATAAGCTCTCCTGATTTGTAACACAAATGTTCCAATTTCCAC[TGCCTAATAAAATGAAAA>T]GCAGAGACAAAAATTTCTCACTGTAATAAGAAAATTAGTGCAAATTCGAAATGATAGAAC-3'